The following is an entry in ClinVar:

ClinVar aggregate classification (germline): Likely pathogenic (1 of 4 stars; one submission).

Conditions:
Bloom syndrome (BLM). Also called: Bloom-Torre-Machacek syndrome. Identifiers: Orphanet 125, MedGen C0005859, MONDO:0008876, OMIM 210900.

Submission:

Myriad Genetics, Inc.
Classification: Likely pathogenic for Bloom syndrome. Last evaluated: 2026-08-27. Review status: criteria provided, single submitter. Criteria: Myriad Autosomal Dominant, Autosomal Recessive and X-Linked Classification Criteria (2023). Collection method: clinical testing. Allele origin: unknown.
Comment: This variant is considered likely pathogenic. This variant occurs within a consensus splice junction and is predicted to result in abnormal mRNA splicing of either an out-of-frame exon or an in-frame exon necessary for protein stability and/or normal function.

NM_000057.4(BLM):c.1882+1G>A

Gene: BLM (BLM RecQ like helicase; plus strand). Cytogenetic location: 15q26.1.
Variant type: single nucleotide variant.
Coding change: c.1882+1G>A on transcript NM_000057.4 (MANE Select); the canonical splice donor site of the intron after coding-DNA position 1882, G replaced by A.
Molecular consequence: splice donor variant.
Genome position (GRCh38, 1-based): chr15:90,761,256, G>A. VCF-style: chr15-90761256-G-A. GRCh37 (hg19) VCF-style: chr15-91304486-G-A.
Other names: c.1882+1G>A (NM_001287246.2, NM_001287247.2); c.757+1G>A (NM_001287248.2).
Identifiers: ClinVar variation 5042170 (VCV005042170.1).
Genomic context (GRCh38, chr15:90,761,256, plus strand): 5'-TTCCAGTGTCATCTACTGCTCAAAATATAAACTTCTCAGAGTCAATTCAGAATTATACTG[G>A]TAAGTTTAAAATAAATTGAATGCTTATATGAAAACAAAACTGTCCCAAAATAGGAATTAT-3'